The following is an entry in ClinVar:

NM_001375.3(DNASE2):c.905C>T (p.Pro302Leu)

Gene: DNASE2 (deoxyribonuclease 2, lysosomal; minus strand). Cytogenetic location: 19p13.13.
Variant type: single nucleotide variant.
Coding change: c.905C>T on transcript NM_001375.3 (MANE Select); coding-DNA position 905, C replaced by T.
Protein change: p.Pro302Leu; replaces proline 302 with leucine.
Molecular consequence: missense variant.
Genome position (GRCh38, 1-based): chr19:12,876,168, G>A on the plus strand (C>T on the coding strand, the complement: DNASE2 is on the minus strand). VCF-style: chr19-12876168-G-A. GRCh37 (hg19) VCF-style: chr19-12986982-G-A.
Other names: short protein forms P302L.
Identifiers: ClinVar variation 1469268 (VCV001469268.8), dbSNP rs747314747, ClinGen allele CA305497439.

ClinVar aggregate classification (germline): Uncertain significance (1 of 4 stars; one submission).

Allele frequency attached by ClinVar (database versions not stated): gnomAD 0.00001; TOPMed 0.00001.

Submission:

Labcorp Genetics (formerly Invitae), Labcorp
Classification: Uncertain significance. Last evaluated: 2021-05-09. Review status: criteria provided, single submitter. Criteria: Invitae Variant Classification Sherloc (09022015). Collection method: clinical testing. Allele origin: germline.
Comment: This variant is not present in population databases (ExAC no frequency). In summary, the available evidence is currently insufficient to determine the role of this variant in disease. Therefore, it has been classified as a Variant of Uncertain Significance. Algorithms developed to predict the effect of missense changes on protein structure and function output the following: SIFT: "Tolerated"; PolyPhen-2: "Benign"; Align-GVGD: "Class C0". The leucine amino acid residue is found in multiple mammalian species, suggesting that this missense change does not adversely affect protein function. These predictions have not been confirmed by published functional studies and their clinical significance is uncertain. This variant has not been reported in the literature in individuals with DNASE2-related conditions. This sequence change replaces proline with leucine at codon 302 of the DNASE2 protein (p.Pro302Leu). The proline residue is moderately conserved and there is a moderate physicochemical difference between proline and leucine.